The following is an entry in ClinVar:

NM_001378454.1(ALMS1):c.9907+20C>T

Gene: ALMS1 (ALMS1 centrosome and basal body associated protein; plus strand). Cytogenetic location: 2p13.1.
Variant type: single nucleotide variant.
Coding change: c.9907+20C>T on transcript NM_001378454.1 (MANE Select); 20 bases into the intron after coding-DNA position 9907, C replaced by T.
Molecular consequence: intron variant.
Genome position (GRCh38, 1-based): chr2:73,534,969, C>T. VCF-style: chr2-73534969-C-T. GRCh37 (hg19) VCF-style: chr2-73762096-C-T.
Other names: c.9907+20C>T (NM_015120.4); c.9910+20C>T (NM_015120.4).
Identifiers: ClinVar variation 387327 (VCV000387327.14), dbSNP rs74730457, ClinGen allele CA1714810.

ClinVar aggregate classification (germline): Benign/Likely benign. Review status: criteria provided, multiple submitters, no conflicts (2 of 4 stars). 6 submissions from 6 submitters: Benign (5); Likely benign (1). Last evaluated 2026-02-03.

Conditions:
Alstrom syndrome (ALMS). Identifiers: Orphanet 64, MedGen C0268425, MONDO:0008763, OMIM 203800.

Allele frequency attached by ClinVar (database versions not stated): 1000 Genomes Project 0.01997; gnomAD 0.02007 and 0.02147; ESP Exome Variant Server 0.02181; 1000 Genomes Project 30x 0.02217; TOPMed 0.02270.
gnomAD v4.1: 6,239 of 1,613,128 alleles (0.39%); highest among the groups gnomAD compares: African/African-American, 6.5%; 180 homozygotes.

Submissions (6):

Labcorp Genetics (formerly Invitae), Labcorp
Classification: Benign for Alstrom syndrome. Last evaluated: 2026-02-03. Review status: criteria provided, single submitter. Criteria: Invitae Variant Classification Sherloc (09022015). Collection method: clinical testing. Allele origin: germline.

Blueprint Genetics
Classification: Likely benign. Last evaluated: 2024-11-26. Review status: criteria provided, single submitter. Criteria: ACMG Guidelines, 2015. Collection method: clinical testing. Allele origin: germline.

ARUP Laboratories, Molecular Genetics and Genomics, ARUP Laboratories
Classification: Benign for Alstrom syndrome. Last evaluated: 2024-11-12. Review status: criteria provided, single submitter. Criteria: ARUP Molecular Germline Variant Investigation Process 2024. Collection method: clinical testing. Allele origin: germline.

Women's Health and Genetics/Laboratory Corporation of America, LabCorp
Classification: Benign. Last evaluated: 2019-10-29. Review status: criteria provided, single submitter. Criteria: LabCorp Variant Classification Summary - May 2015. Collection method: clinical testing. Allele origin: germline.
Comment: Variant summary: ALMS1 c.9904+20C>T (also known as c.9910+20C>T)alters a non-conserved nucleotide located close to a canonical splice site and therefore could affect mRNA splicing, leading to a significantly altered protein sequence. 5/5 computational tools predict no significant impact on normal splicing. However, these predictions have yet to be confirmed by functional studies. The variant allele was found at a frequency of 0.0068 in 280282 control chromosomes, predominantly at a frequency of 0.066 within the African or African-American subpopulation in the gnomAD database, including 59 homozygotes. The observed variant frequency within African or African-American control individuals in the gnomAD database is approximately 30 fold of the estimated maximal expected allele frequency for a pathogenic variant in ALMS1 causing Cardiomyopathy phenotype (0.0022), strongly suggesting that the variant is a benign polymorphism. To our knowledge, no occurrence of c.9904+20C>T in individuals affected with Cardiomyopathy and no experimental evidence demonstrating its impact on protein function have been reported. A ClinVar submission (evaluation after 2014) cites the variant as benign. Based on the evidence outlined above, the variant was classified as benign.

GeneDx
Classification: Benign. Last evaluated: 2016-10-12. Review status: criteria provided, single submitter. Criteria: GeneDx Variant Classification (06012015). Collection method: clinical testing. Allele origin: germline. Affected: yes.
Comment: This variant is considered likely benign or benign based on one or more of the following criteria: it is a conservative change, it occurs at a poorly conserved position in the protein, it is predicted to be benign by multiple in silico algorithms, and/or has population frequency not consistent with disease.

Breakthrough Genomics
Classification: Benign. Review status: criteria provided, single submitter. Criteria: ACMG Guidelines, 2015. Collection method: not provided. Allele origin: germline. Inheritance: Autosomal recessive inheritance. Affected: yes.